The following is an entry in ClinVar:

NM_016038.4(SBDS):c.501A>G (p.Ile167Met)

Gene: SBDS (SBDS ribosome maturation factor; minus strand). Cytogenetic location: 7q11.21.
Variant type: single nucleotide variant.
Coding change: c.501A>G on transcript NM_016038.4 (MANE Select); coding-DNA position 501, A replaced by G.
Protein change: p.Ile167Met; replaces isoleucine 167 with methionine.
Molecular consequence: missense variant.
Genome position (GRCh38, 1-based): chr7:66,991,260, T>C on the plus strand (A>G on the coding strand, the complement: SBDS is on the minus strand). VCF-style: chr7-66991260-T-C. GRCh37 (hg19) VCF-style: chr7-66456247-T-C.
Other names: NM_016038.4:c.501A>G; short protein forms I167M.
Identifiers: ClinVar variation 3776897 (VCV003776897.1).
Genomic context (GRCh38, chr7:66,991,260, plus strand): 5'-TTTCAGCTTCTTGCCTTCATTGACTGGAAGGATGAACCGAAGCCTCATGTGAGCACGTTC[T>C]ATCTTCATTTTCTCTTTTAACTGCTTTATCACTTCCAAAGCCTACCAAGACAAAATCGAG-3'
Protein context (NP_057122.2, residues 157-177): VIKQLKEKMK[Ile167Met]ERAHMRLRFI

ClinVar aggregate classification (germline): Uncertain significance (1 of 4 stars; one submission).

Conditions:
Shwachman-Diamond syndrome 1 (SDS1). Also called: LIPOMATOSIS OF PANCREAS, CONGENITAL. Identifiers: MedGen C4692625, MONDO:0044204, OMIM 260400.

Submission:

Broad Center for Mendelian Genomics, Broad Institute of MIT and Harvard
Classification: Uncertain significance for Shwachman-Diamond syndrome 1. Last evaluated: 2025-02-06. Review status: criteria provided, single submitter. Criteria: ACMG Guidelines, 2015. Collection method: curation. Allele origin: germline. Inheritance: Autosomal recessive inheritance.
Comment: The p.Ile167Met variant in SBDS has not been previously identified in the literature in individuals with Shwachman-Diamond syndrome, but has been identified in 0.02% (9/44868) of East Asian chromosomes by the Genome Aggregation Database (gnomAD; dbSNP rs776296693). Although this variant has been seen in the general population in a heterozygous state, its frequency is not high enough to rule out a pathogenic role. The presence of a known pseudogene, SBDSP1, can impact the reliability of allele frequencies. In vitro functional studies provide some evidence that the p.Ile167Met variant may slightly impact protein function (PMID: 34704233). However, these types of assays may not accurately represent biological function. Computational prediction tools and conservation analyses suggest that this variant may impact the protein, though this information is not predictive enough to determine pathogenicity. In summary, the clinical significance of the p.Ile167Met variant is uncertain. ACMG/AMP Criteria applied: PP3_moderate, PS3_supporting (Richards 2015).

Literature cited by the submitters: PubMed 34704233.